The following is an entry in ClinVar:

NM_000016.6(ACADM):c.849+253A>T

Gene: ACADM (acyl-CoA dehydrogenase medium chain; plus strand). Cytogenetic location: 1p31.1.
Variant type: single nucleotide variant.
Coding change: c.849+253A>T on transcript NM_000016.6 (MANE Select); 253 bases into the intron after coding-DNA position 849, A replaced by T.
Molecular consequence: intron variant.
Genome position (GRCh38, 1-based): chr1:75,749,812, A>T. VCF-style: chr1-75749812-A-T. GRCh37 (hg19) VCF-style: chr1-76215497-A-T.
Other names: c.861+253A>T (NM_001127328.3); c.948+253A>T (NM_001286043.2); c.741+253A>T (NM_001286042.2); c.282+253A>T (NM_001286044.2).
Identifiers: ClinVar variation 682759 (VCV000682759.1), dbSNP rs79552201, ClinGen allele CA10896116.

ClinVar aggregate classification (germline): Benign (1 of 4 stars; one submission).

Allele frequency attached by ClinVar (database versions not stated): 1000 Genomes Project 0.19429; 1000 Genomes Project 30x 0.19472; TOPMed 0.25548; gnomAD 0.26194 and 0.26489.

Submission:

GeneDx
Classification: Benign. Last evaluated: 2018-06-14. Review status: criteria provided, single submitter. Criteria: GeneDx Variant Classification (06012015). Collection method: clinical testing. Allele origin: germline. Affected: yes.
Comment: This variant is considered likely benign or benign based on one or more of the following criteria: it is a conservative change, it occurs at a poorly conserved position in the protein, it is predicted to be benign by multiple in silico algorithms, and/or has population frequency not consistent with disease.